The following is an entry in ClinVar:

NM_003322.6(TULP1):c.499+1G>A

Gene: TULP1 (TUB like protein 1; minus strand). Cytogenetic location: 6p21.31.
Variant type: single nucleotide variant.
Coding change: c.499+1G>A on transcript NM_003322.6 (MANE Select); the canonical splice donor site of the intron after coding-DNA position 499, G replaced by A.
Molecular consequence: splice donor variant.
Genome position (GRCh38, 1-based): chr6:35,510,860, C>T on the plus strand (G>A on the coding strand, the complement: TULP1 is on the minus strand). VCF-style: chr6-35510860-C-T. GRCh37 (hg19) VCF-style: chr6-35478637-C-T.
Other names: c.340+1G>A (NM_001289395.2).
Identifiers: ClinVar variation 2795259 (VCV002795259.3), dbSNP rs1031660226, ClinGen allele CA363783004.

ClinVar aggregate classification (germline): Likely pathogenic (1 of 4 stars; one submission).

Allele frequency attached by ClinVar (database versions not stated): gnomAD exomes below 0.00001.
gnomAD v4.1: 4 of 1,613,880 alleles (0.00025%); highest among the groups gnomAD compares: South Asian, 0.0011%; no homozygotes.

Submission:

Labcorp Genetics (formerly Invitae), Labcorp
Classification: Likely pathogenic. Last evaluated: 2023-02-08. Review status: criteria provided, single submitter. Criteria: Invitae Variant Classification Sherloc (09022015). Collection method: clinical testing. Allele origin: germline.
Comment: This sequence change affects a donor splice site in intron 5 of the TULP1 gene. It is expected to disrupt RNA splicing. Variants that disrupt the donor or acceptor splice site typically lead to a loss of protein function (PMID: 16199547), and loss-of-function variants in TULP1 are known to be pathogenic (PMID: 8606774, 10549638, 15024725, 18055821). This variant is not present in population databases (gnomAD no frequency). This variant has not been reported in the literature in individuals affected with TULP1-related conditions. Algorithms developed to predict the effect of sequence changes on RNA splicing suggest that this variant may disrupt the consensus splice site. In summary, the currently available evidence indicates that the variant is pathogenic, but additional data are needed to prove that conclusively. Therefore, this variant has been classified as Likely Pathogenic.

Literature cited by the submitters: PubMed 16199547; PubMed 8606774; PubMed 10549638; PubMed 15024725; PubMed 18055821.